The following is an entry in ClinVar:

NM_003126.4(SPTA1):c.379G>A (p.Glu127Lys)

Gene: SPTA1 (spectrin alpha, erythrocytic 1; minus strand). Cytogenetic location: 1q23.1.
Variant type: single nucleotide variant.
Coding change: c.379G>A on transcript NM_003126.4 (MANE Select); coding-DNA position 379, G replaced by A.
Protein change: p.Glu127Lys; replaces glutamic acid 127 with lysine.
Molecular consequence: missense variant.
Genome position (GRCh38, 1-based): chr1:158,683,382, C>T on the plus strand (G>A on the coding strand, the complement: SPTA1 is on the minus strand). VCF-style: chr1-158683382-C-T. GRCh37 (hg19) VCF-style: chr1-158653172-C-T.
Other names: short protein forms E127K.
Identifiers: ClinVar variation 2893050 (VCV002893050.3), dbSNP rs771256946, ClinGen allele CA1184184.
Genomic context (GRCh38, chr1:158,683,382, plus strand): 5'-GATAACATAATCAATAATTGGAAACTTCTTCAAGGGCCCATACATATACCTTCGTTTCTT[C>T]GTGGGCAGAATGACCCATGGTAAATCGTTCTTCCCTTGTTTTTTCCAGTTCAGACATGAG-3'
Protein context (NP_003117.2, residues 117-137): ERFTMGHSAH[Glu127Lys]ETKAHIEELR

ClinVar aggregate classification (germline): Uncertain significance (1 of 4 stars; one submission).

Allele frequency attached by ClinVar (database versions not stated): gnomAD exomes below 0.00001; ExAC 0.00001; TOPMed 0.00002.
gnomAD v4.1: 12 of 1,613,236 alleles (0.00074%); highest among the groups gnomAD compares: Middle Eastern, 0.017%; no homozygotes.

Submission:

Labcorp Genetics (formerly Invitae), Labcorp
Classification: Uncertain significance. Last evaluated: 2022-11-29. Review status: criteria provided, single submitter. Criteria: Invitae Variant Classification Sherloc (09022015). Collection method: clinical testing. Allele origin: germline.
Comment: This sequence change replaces glutamic acid, which is acidic and polar, with lysine, which is basic and polar, at codon 127 of the SPTA1 protein (p.Glu127Lys). This variant is present in population databases (rs771256946, gnomAD 0.006%). This variant has not been reported in the literature in individuals affected with SPTA1-related conditions. Advanced modeling of protein sequence and biophysical properties (such as structural, functional, and spatial information, amino acid conservation, physicochemical variation, residue mobility, and thermodynamic stability) performed at Invitae indicates that this missense variant is not expected to disrupt SPTA1 protein function. In summary, the available evidence is currently insufficient to determine the role of this variant in disease. Therefore, it has been classified as a Variant of Uncertain Significance.